The following is an entry in ClinVar:

ClinVar aggregate classification (germline): Uncertain significance. Review status: criteria provided, multiple submitters, no conflicts (2 of 4 stars). 2 submissions from 2 submitters: Uncertain significance (2). Last evaluated 2025-04-07.

Conditions:
Hereditary cancer-predisposing syndrome. Also called: Neoplastic Syndromes, Hereditary; Hereditary Cancer Syndrome; Hereditary neoplastic syndrome; Tumor predisposition. Identifiers: Orphanet 140162, MedGen C0027672, MeSH D009386, MONDO:0015356.
Tumor predisposition syndrome 3 (TPDS3). Also called: Glioma susceptibility 9; LONG TELOMERE SYNDROME, POT1-RELATED; POT1 Tumor Predisposition; Melanoma, cutaneous malignant, susceptibility to, 10. Identifiers: Orphanet 618, MedGen C4014476, MONDO:0014368, OMIM 615848.

Allele frequency attached by ClinVar (database versions not stated): gnomAD exomes 0.00001.
gnomAD v4.1: 9 of 1,598,534 alleles (0.00056%); highest among the groups gnomAD compares: Non-Finnish European, 0.00077%; no homozygotes.

Submissions (2):

Labcorp Genetics (formerly Invitae), Labcorp
Classification: Uncertain significance for Tumor predisposition syndrome 3. Last evaluated: 2025-04-07. Review status: criteria provided, single submitter. Criteria: Invitae Variant Classification Sherloc (09022015). Collection method: clinical testing. Allele origin: germline.
Comment: This sequence change replaces lysine, which is basic and polar, with glutamic acid, which is acidic and polar, at codon 384 of the POT1 protein (p.Lys384Glu). This variant is not present in population databases (gnomAD no frequency). This variant has not been reported in the literature in individuals affected with POT1-related conditions. ClinVar contains an entry for this variant (Variation ID: 1524762). Invitae Evidence Modeling of protein sequence and biophysical properties (such as structural, functional, and spatial information, amino acid conservation, physicochemical variation, residue mobility, and thermodynamic stability) indicates that this missense variant is not expected to disrupt POT1 protein function with a negative predictive value of 80%. In summary, the available evidence is currently insufficient to determine the role of this variant in disease. Therefore, it has been classified as a Variant of Uncertain Significance.

Ambry Genetics
Classification: Uncertain significance for Hereditary cancer-predisposing syndrome. Last evaluated: 2022-06-25. Review status: criteria provided, single submitter. Criteria: Ambry Variant Classification Scheme 2023. Collection method: clinical testing. Allele origin: germline.
Comment: The p.K384E variant (also known as c.1150A>G), located in coding exon 9 of the POT1 gene, results from an A to G substitution at nucleotide position 1150. The lysine at codon 384 is replaced by glutamic acid, an amino acid with similar properties. This amino acid position is conserved. In addition, this alteration is predicted to be tolerated by in silico analysis. Since supporting evidence is limited at this time, the clinical significance of this alteration remains unclear.

NM_015450.3(POT1):c.1150A>G (p.Lys384Glu)

Gene: POT1 (protection of telomeres 1; minus strand). Cytogenetic location: 7q31.33.
Variant type: single nucleotide variant.
Coding change: c.1150A>G on transcript NM_015450.3 (MANE Select); coding-DNA position 1150, A replaced by G.
Protein change: p.Lys384Glu; replaces lysine 384 with glutamic acid.
Molecular consequence: missense variant. On other transcripts: non-coding transcript variant (3).
Genome position (GRCh38, 1-based): chr7:124,842,820, T>C on the plus strand (A>G on the coding strand, the complement: POT1 is on the minus strand). VCF-style: chr7-124842820-T-C. GRCh37 (hg19) VCF-style: chr7-124482874-T-C.
Other names: c.757A>G, p.Lys253Glu (NM_001042594.2); short protein forms K253E, K384E.
Identifiers: ClinVar variation 1524762 (VCV001524762.8), dbSNP rs2116467412, ClinGen allele CA369068119.